The following is an entry in ClinVar:

ClinVar aggregate classification (germline): Uncertain significance. Review status: criteria provided, multiple submitters, no conflicts (2 of 4 stars). 6 submissions from 6 submitters: Uncertain significance (6). Last evaluated 2024-09-10.

Conditions:
Inborn genetic diseases. Identifiers: MedGen C0950123, MeSH D030342.
Developmental and epileptic encephalopathy, 18 (DEE18). Also called: Early infantile epileptic encephalopathy 18. Identifiers: Orphanet 369894, MedGen C3809624, MONDO:0014201, OMIM 615476.

Allele frequency attached by ClinVar (database versions not stated): ESP Exome Variant Server 0.00015; ExAC 0.00019; gnomAD exomes 0.00021 and 0.00040; TOPMed 0.00022; gnomAD 0.00024 and 0.00025; 1000 Genomes Project 0.00040; 1000 Genomes Project 30x 0.00047.
gnomAD v4.1: 608 of 1,613,088 alleles (0.038%); highest among the groups gnomAD compares: Non-Finnish European, 0.048%; 1 homozygote.

Submissions (7):

Blueprint Genetics
Classification: Uncertain significance. Last evaluated: 2024-09-10. Review status: criteria provided, single submitter. Criteria: ACMG Guidelines, 2015. Collection method: clinical testing. Allele origin: germline.

Genome-Nilou Lab
Classification: Uncertain significance for Developmental and epileptic encephalopathy, 18. Last evaluated: 2023-04-11. Review status: criteria provided, single submitter. Criteria: ACMG Guidelines, 2015. Collection method: clinical testing. Allele origin: germline. Affected: no.

Labcorp Genetics (formerly Invitae), Labcorp
Classification: Uncertain significance. Last evaluated: 2022-10-13. Review status: criteria provided, single submitter. Criteria: Invitae Variant Classification Sherloc (09022015). Collection method: clinical testing. Allele origin: germline.
Comment: This sequence change replaces arginine, which is basic and polar, with cysteine, which is neutral and slightly polar, at codon 2448 of the SZT2 protein (p.Arg2448Cys). This variant is present in population databases (rs199830565, gnomAD 0.03%). This variant has not been reported in the literature in individuals affected with SZT2-related conditions. ClinVar contains an entry for this variant (Variation ID: 586771). Algorithms developed to predict the effect of missense changes on protein structure and function are either unavailable or do not agree on the potential impact of this missense change (SIFT: "Tolerated"; PolyPhen-2: "Probably Damaging"; Align-GVGD: "Class C0"). In summary, the available evidence is currently insufficient to determine the role of this variant in disease. Therefore, it has been classified as a Variant of Uncertain Significance.

GeneDx
Classification: Uncertain significance. Last evaluated: 2022-04-18. Review status: criteria provided, single submitter. Criteria: GeneDx Variant Classification Process June 2021. Collection method: clinical testing. Allele origin: germline. Affected: yes.
Comment: In silico analysis supports that this missense variant does not alter protein structure/function; Has not been previously published as pathogenic or benign to our knowledge

Ambry Genetics
Classification: Uncertain significance for Inborn genetic diseases. Last evaluated: 2021-03-25. Review status: criteria provided, single submitter. Criteria: Ambry Variant Classification Scheme 2023. Collection method: clinical testing. Allele origin: germline.
Comment: The c.7342C>T (p.R2448C) alteration is located in exon 53 (coding exon 53) of the SZT2 gene. This alteration results from a C to T substitution at nucleotide position 7342, causing the arginine (R) at amino acid position 2448 to be replaced by a cysteine (C). The p.R2448C alteration is predicted to be tolerated by in silico analysis. Based on insufficient or conflicting evidence, the clinical significance of this alteration remains unclear.

Athena Diagnostics
Classification: Uncertain significance. Last evaluated: 2017-12-11. Review status: criteria provided, single submitter. Criteria: Athena Diagnostics Criteria. Collection method: clinical testing. Allele origin: germline.

Dr. Peter K. Rogan Lab, Western University
No classification provided (evidence only). Condition: Familial cancer of breast. Review status: no classification provided. Collection method: in vitro. Allele origin: not applicable. Functional consequence: retained intron. Not counted in ClinVar's aggregate classification.

NM_001365999.1(SZT2):c.7513C>T (p.Arg2505Cys)

Gene: SZT2 (SZT2 subunit of KICSTOR complex; plus strand). Cytogenetic location: 1p34.2.
Variant type: single nucleotide variant.
Coding change: c.7513C>T on transcript NM_001365999.1 (MANE Select); coding-DNA position 7513, C replaced by T.
Protein change: p.Arg2505Cys; replaces arginine 2505 with cysteine.
Molecular consequence: missense variant.
Genome position (GRCh38, 1-based): chr1:43,441,505, C>T. VCF-style: chr1-43441505-C-T. GRCh37 (hg19) VCF-style: chr1-43907176-C-T.
Other names: c.7342C>T, p.Arg2448Cys (NM_015284.4); short protein forms R2448C, R2505C.
Identifiers: ClinVar variation 586771 (VCV000586771.19), dbSNP rs199830565, ClinGen allele CA810253.